The following is an entry in ClinVar:

NM_000143.4(FH):c.738+14A>G

Gene: FH (fumarate hydratase; minus strand). Cytogenetic location: 1q43.
Variant type: single nucleotide variant.
Coding change: c.738+14A>G on transcript NM_000143.4 (MANE Select); 14 bases into the intron after coding-DNA position 738, A replaced by G.
Molecular consequence: intron variant.
Genome position (GRCh38, 1-based): chr1:241,508,589, T>C on the plus strand (A>G on the coding strand, the complement: FH is on the minus strand). VCF-style: chr1-241508589-T-C. GRCh37 (hg19) VCF-style: chr1-241671889-T-C.
Identifiers: ClinVar variation 875260 (VCV000875260.13), dbSNP rs765629644, ClinGen allele CA1478627.

ClinVar aggregate classification (germline): Conflicting classifications of pathogenicity. Review status: criteria provided, conflicting classifications (1 of 4 stars). 4 submissions from 3 submitters: Uncertain significance (1); Benign (1); Likely benign (2). Last evaluated 2026-01-29.

Conditions:
Fumarase deficiency (FMRD). Also called: Fumarate Hydratase Deficiency; Fumaric aciduria. Identifiers: Orphanet 24, MedGen C0342770, MONDO:0011730, OMIM 606812.
Hereditary leiomyomatosis and renal cell cancer. Also called: Familial leiomyomatosis; LEIOMYOMA, MULTIPLE CUTANEOUS; MULTIPLE CUTANEOUS AND UTERINE LEIOMYOMATA 1, WITH OR WITHOUT RENAL CELL CARCINOMA; Reed syndrome; Multiple cutaneous and uterine leiomyomatosis; Cutaneous leiomyomata with uterine leiomyomata. Identifiers: Orphanet 523, MedGen C1708350, MONDO:0007888, OMIM 150800, HP:0007437. Disease mechanism: loss of function.

Allele frequency attached by ClinVar (database versions not stated): gnomAD 0.00003 and 0.00004; TOPMed 0.00003; gnomAD exomes 0.00005; ExAC 0.00007.
gnomAD v4.1: 57 of 1,609,132 alleles (0.0035%); highest among the groups gnomAD compares: East Asian, 0.12%; no homozygotes.

Submissions (4):

Labcorp Genetics (formerly Invitae), Labcorp
Classification: Likely benign. Last evaluated: 2026-01-29. Review status: criteria provided, single submitter. Criteria: Invitae Variant Classification Sherloc (09022015). Collection method: clinical testing. Allele origin: germline.

Blueprint Genetics
Classification: Likely benign. Last evaluated: 2022-08-16. Review status: criteria provided, single submitter. Criteria: ACMG Guidelines, 2015. Collection method: clinical testing. Allele origin: germline.

Illumina Laboratory Services, Illumina
Classification: Benign for Hereditary leiomyomatosis and renal cell cancer. Last evaluated: 2018-01-13. Review status: criteria provided, single submitter. Criteria: ICSL Variant Classification Criteria 13 December 2019. Collection method: clinical testing. Allele origin: germline.
Comment: This variant was observed in the ICSL laboratory as part of a predisposition screen in an ostensibly healthy population. It had not been previously curated by ICSL or reported in the Human Gene Mutation Database (HGMD: prior to June 1st, 2018), and was therefore a candidate for classification through an automated scoring system. Utilizing variant allele frequency, disease prevalence and penetrance estimates, and inheritance mode, an automated score was calculated to assess if this variant is too frequent to cause the disease. Based on the score and internal cut-off values, a variant classified as benign is not then subjected to further curation. The score for this variant resulted in a classification of benign for this disease.

Illumina Laboratory Services, Illumina
Classification: Uncertain significance for Fumarase deficiency. Last evaluated: 2018-01-13. Review status: criteria provided, single submitter. Criteria: ICSL Variant Classification Criteria 13 December 2019. Collection method: clinical testing. Allele origin: germline.